The following is an entry in ClinVar:

ClinVar aggregate classification (germline): Pathogenic (1 of 4 stars; one submission).

Conditions:
TH-deficient dopa-responsive dystonia. Also called: Tyrosine Hydroxylase-Deficient Dopa-Responsive Dystonia; Segawa syndrome, autosomal recessive; DYT-TH. Identifiers: Orphanet 101150, MedGen C2673535, MONDO:0011551, OMIM 605407.

Submission:

Labcorp Genetics (formerly Invitae), Labcorp
Classification: Pathogenic for TH-deficient dopa-responsive dystonia. Last evaluated: 2022-08-07. Review status: criteria provided, single submitter. Criteria: Invitae Variant Classification Sherloc (09022015). Collection method: clinical testing. Allele origin: germline.
Comment: For these reasons, this variant has been classified as Pathogenic. This variant has not been reported in the literature in individuals affected with TH-related conditions. This variant is a gross deletion of the genomic region encompassing exon(s) 1-12 of the TH gene, which includes the initiator codon. This deletion extends beyond the assayed region for this gene and therefore may encompass additional genes. It is expected to result in an absent or disrupted protein product. Loss-of-function variants in TH are known to be pathogenic (PMID: 22264700, 24753243).

Literature cited by the submitters: PubMed 22264700; PubMed 24753243.

NC_000011.9:g.(?_2186878)_(2193016_?)del

Gene: TH (tyrosine hydroxylase; minus strand). Cytogenetic location: 11p15.5.
Variant type: Deletion.
Identifiers: ClinVar variation 2427667 (VCV002427667.3).